The following is an entry in ClinVar:

NM_017849.4(TMEM127):c.616C>T (p.Gln206Ter)

Gene: TMEM127 (transmembrane protein 127; minus strand). Cytogenetic location: 2q11.2.
Variant type: single nucleotide variant.
Coding change: c.616C>T on transcript NM_017849.4 (MANE Select); coding-DNA position 616, C replaced by T.
Protein change: p.Gln206Ter; replaces glutamine 206 with a stop codon.
Molecular consequence: nonsense.
Genome position (GRCh38, 1-based): chr2:96,253,909, G>A on the plus strand (C>T on the coding strand, the complement: TMEM127 is on the minus strand). VCF-style: chr2-96253909-G-A. GRCh37 (hg19) VCF-style: chr2-96919647-G-A.
Other names: c.616C>T, p.Gln206Ter (NM_001193304.3); c.616C>T (NM_001193304.2); short protein forms Q206*.
Identifiers: ClinVar variation 860515 (VCV000860515.10), dbSNP rs1684143889, ClinGen allele CA347651913.

ClinVar aggregate classification (germline): Uncertain significance. Review status: criteria provided, multiple submitters, no conflicts (2 of 4 stars). 2 submissions from 2 submitters: Uncertain significance (2). Last evaluated 2023-07-07.

Conditions:
Pheochromocytoma. Also called: MAX-Related Hereditary Paraganglioma-Pheochromocytoma Syndrome. Identifiers: Orphanet 29072, MedGen C0031511, MONDO:0008233, OMIM 171300, HP:0002666.
Hereditary pheochromocytoma and paraganglioma. Also called: Hereditary pheochromocytoma-paraganglioma; Hereditary paragangliomas and pheochromocytomas; Hereditary Paraganglioma-Pheochromocytoma Syndromes. Identifiers: Orphanet 29072, MedGen C4274332, MONDO:0017366.

Allele frequency attached by ClinVar (database versions not stated): gnomAD exomes below 0.00001.
gnomAD v4.1: 1 of 1,613,976 alleles (0.000062%); highest among the groups gnomAD compares: Non-Finnish European, 0.000085%; no homozygotes.

Submissions (2):

KCCC/NGS Laboratory, Kuwait Cancer Control Center
Classification: Uncertain significance for Pheochromocytoma. Last evaluated: 2023-07-07. Review status: criteria provided, single submitter. Criteria: ACMG Guidelines, 2015. Collection method: clinical testing. Allele origin: unknown. Affected: yes.
Comment: This sequence change results in a premature translational stop signal in the TMEM127 gene (p.Gln206*). While this is not anticipated to result in nonsense mediated decay, it is expected to disrupt the last 33 amino acids of the TMEM127 protein. This variant is not present in population databases (ExAC no frequency). This variant has not been reported in the literature in individuals with TMEM127-related conditions. Experimental studies and prediction algorithms are not available for this variant, and the functional significance of the affected amino acid(s) is currently unknown. Algorithms developed to predict the effect of sequence changes on RNA splicing suggest that this variant may create or strengthen a splice site, but this prediction has not been confirmed by published transcriptional studies. Pathogenic computational verdict based on 5 pathogenic predictions from BayesDel_addAF, DANN, EIGEN, FATHMM-MKL and MutationTaster were all deleterious with no benign predictions. Therefore, it has been classified as a Variant of Uncertain Significance.

Labcorp Genetics (formerly Invitae), Labcorp
Classification: Uncertain significance for Hereditary pheochromocytoma and paraganglioma. Last evaluated: 2019-01-21. Review status: criteria provided, single submitter. Criteria: Invitae Variant Classification Sherloc (09022015). Collection method: clinical testing. Allele origin: germline.
Comment: In summary, the available evidence is currently insufficient to determine the role of this variant in disease. Therefore, it has been classified as a Variant of Uncertain Significance. Algorithms developed to predict the effect of sequence changes on RNA splicing suggest that this variant may create or strengthen a splice site, but this prediction has not been confirmed by published transcriptional studies. Experimental studies and prediction algorithms are not available for this variant, and the functional significance of the affected amino acid(s) is currently unknown. This variant has not been reported in the literature in individuals with TMEM127-related conditions. This variant is not present in population databases (ExAC no frequency). This sequence change results in a premature translational stop signal in the TMEM127 gene (p.Gln206*). While this is not anticipated to result in nonsense mediated decay, it is expected to disrupt the last 33 amino acids of the TMEM127 protein.